The following is an entry in ClinVar:

ClinVar aggregate classification (germline): Uncertain significance (1 of 4 stars; one submission).

Conditions:
Charcot-Marie-Tooth disease type 2E (CMT2E). Also called: CHARCOT-MARIE-TOOTH DISEASE, AXONAL, TYPE 2E; CHARCOT-MARIE-TOOTH NEUROPATHY, TYPE 2E. Identifiers: Orphanet 99939, MedGen C1843225, MONDO:0011894, OMIM 607684.

Submission:

Labcorp Genetics (formerly Invitae), Labcorp
Classification: Uncertain significance for Charcot-Marie-Tooth disease type 2E. Last evaluated: 2025-10-08. Review status: criteria provided, single submitter. Criteria: Invitae Variant Classification Sherloc (09022015). Collection method: clinical testing. Allele origin: germline.
Comment: This sequence change replaces threonine, which is neutral and polar, with alanine, which is neutral and non-polar, at codon 409 of the NEFL protein (p.Thr409Ala). This variant is not present in population databases (gnomAD no frequency). This variant has not been reported in the literature in individuals affected with NEFL-related conditions. Invitae Evidence Modeling of protein sequence and biophysical properties (such as structural, functional, and spatial information, amino acid conservation, physicochemical variation, residue mobility, and thermodynamic stability) indicates that this missense variant is not expected to disrupt NEFL protein function with a negative predictive value of 80%. In summary, the available evidence is currently insufficient to determine the role of this variant in disease. Therefore, it has been classified as a Variant of Uncertain Significance.

NM_006158.5(NEFL):c.1225A>G (p.Thr409Ala)

Gene: NEFL (neurofilament light chain; minus strand). Cytogenetic location: 8p21.2.
Variant type: single nucleotide variant.
Coding change: c.1225A>G on transcript NM_006158.5 (MANE Select); coding-DNA position 1225, A replaced by G.
Protein change: p.Thr409Ala; replaces threonine 409 with alanine.
Molecular consequence: missense variant.
Genome position (GRCh38, 1-based): chr8:24,953,740, T>C on the plus strand (A>G on the coding strand, the complement: NEFL is on the minus strand). VCF-style: chr8-24953740-T-C. GRCh37 (hg19) VCF-style: chr8-24811254-T-C.
Other names: short protein forms T409A.
Identifiers: ClinVar variation 4711050 (VCV004711050.1).